The following is an entry in ClinVar:

NM_014846.4(WASHC5):c.3181+36A>G

Gene: WASHC5 (WASH complex subunit 5; minus strand). Cytogenetic location: 8q24.13.
Variant type: single nucleotide variant.
Coding change: c.3181+36A>G on transcript NM_014846.4 (MANE Select); 36 bases into the intron after coding-DNA position 3181, A replaced by G.
Molecular consequence: intron variant.
Genome position (GRCh38, 1-based): chr8:125,037,201, T>C on the plus strand (A>G on the coding strand, the complement: WASHC5 is on the minus strand). VCF-style: chr8-125037201-T-C. GRCh37 (hg19) VCF-style: chr8-126049443-T-C.
Other names: c.2737+36A>G (NM_001330609.2).
Identifiers: ClinVar variation 682817 (VCV000682817.2), dbSNP rs2272682, ClinGen allele CA4873295.

ClinVar aggregate classification (germline): Benign. Review status: criteria provided, multiple submitters, no conflicts (2 of 4 stars). 2 submissions from 2 submitters: Benign (2). Last evaluated 2018-06-16.

Allele frequency attached by ClinVar (database versions not stated): gnomAD exomes 0.08120 and 0.10388; ExAC 0.11379; gnomAD 0.16681 and 0.16998; TOPMed 0.17101; ESP Exome Variant Server 0.17479; 1000 Genomes Project 0.20447; 1000 Genomes Project 30x 0.20831.
gnomAD v4.1: 106,408 of 1,143,800 alleles (9.3%); highest among the groups gnomAD compares: African/African-American, 41%; 9,518 homozygotes.

Submissions (2):

GeneDx
Classification: Benign. Last evaluated: 2018-06-16. Review status: criteria provided, single submitter. Criteria: GeneDx Variant Classification (06012015). Collection method: clinical testing. Allele origin: germline. Affected: yes.
Comment: This variant is considered likely benign or benign based on one or more of the following criteria: it is a conservative change, it occurs at a poorly conserved position in the protein, it is predicted to be benign by multiple in silico algorithms, and/or has population frequency not consistent with disease.

Breakthrough Genomics
Classification: Benign. Review status: criteria provided, single submitter. Criteria: ACMG Guidelines, 2015. Collection method: not provided. Allele origin: germline. Inheritance: Autosomal recessive inheritance. Affected: yes.